The following is an entry in ClinVar:

NM_001349253.2(SCN11A):c.1011_1012dup (p.Asn338fs)

Gene: SCN11A (sodium voltage-gated channel alpha subunit 11; minus strand). Cytogenetic location: 3p22.2.
Variant type: Microsatellite.
Coding change: c.1011_1012dup on transcript NM_001349253.2 (MANE Select); coding-DNA positions 1011 to 1012, 2 bases duplicated (TA; older notation c.1011_1012dupTA).
Protein change: p.Asn338fs; shifts the reading frame from asparagine 338.
Molecular consequence: frameshift variant.
Genome position (GRCh38, 1-based): chr3:38,910,155-38,910,156, TA duplicated on the plus strand (TA on the coding strand, the reverse complement: SCN11A is on the minus strand); duplicating any 2 consecutive bases within chr3:38,910,155-38,910,158 gives the same sequence; the c. name uses the placement nearest the transcript's 3' end. VCF-style (leftmost placement, unchanged base first): chr3-38910154-T-TTA. GRCh37 (hg19) VCF-style: chr3-38951645-T-TTA.
Other names: c.1011_1012dup, p.Asn338fs (NM_014139.3); short protein forms N338fs.
Identifiers: ClinVar variation 3750537 (VCV003750537.2).

ClinVar aggregate classification (germline): Uncertain significance (1 of 4 stars; one submission).

Conditions:
Hereditary sensory and autonomic neuropathy type 7. Also called: HSAN VII; Neuropathy, hereditary sensory and autonomic, type VII. Identifiers: Orphanet 391397, MedGen C3809882, MONDO:0014244, OMIM 615548.
Familial episodic pain syndrome with predominantly lower limb involvement. Also called: Episodic pain syndrome, familial, 3. Identifiers: Orphanet 391384, Orphanet 391392, MedGen C3809899, MONDO:0014247, OMIM 615552.

Submission:

Labcorp Genetics (formerly Invitae), Labcorp
Classification: Uncertain significance for Familial episodic pain syndrome with predominantly lower limb involvement; Hereditary sensory and autonomic neuropathy type 7. Last evaluated: 2024-07-03. Review status: criteria provided, single submitter. Criteria: Invitae Variant Classification Sherloc (09022015). Collection method: clinical testing. Allele origin: germline.
Comment: This sequence change creates a premature translational stop signal (p.Asn338Ilefs*19) in the SCN11A gene. It is expected to result in an absent or disrupted protein product. However, the current clinical and genetic evidence is not sufficient to establish whether loss-of-function variants in SCN11A cause disease. This variant is not present in population databases (gnomAD no frequency). This variant has not been reported in the literature in individuals affected with SCN11A-related conditions. Algorithms developed to predict the effect of sequence changes on RNA splicing suggest that this variant may disrupt the consensus splice site. In summary, the available evidence is currently insufficient to determine the role of this variant in disease. Therefore, it has been classified as a Variant of Uncertain Significance.